The following is an entry in ClinVar:

ClinVar aggregate classification (germline): Uncertain significance (1 of 4 stars; one submission).

Conditions:
Dilated cardiomyopathy 1G (CMD1G). Identifiers: Orphanet 154, MedGen C1858763, MONDO:0011400, OMIM 604145.
Autosomal recessive limb-girdle muscular dystrophy type 2J (LGMDR10). Also called: Limb-girdle muscular dystrophy, type 2J; MUSCULAR DYSTROPHY, LIMB-GIRDLE, AUTOSOMAL RECESSIVE 10. Identifiers: Orphanet 140922, MedGen C1837342, MONDO:0012127, OMIM 608807.

Allele frequency attached by ClinVar (database versions not stated): gnomAD exomes below 0.00001.
gnomAD v4.1: 1 of 1,613,834 alleles (0.000062%); highest among the groups gnomAD compares: Admixed American, 0.0017%; no homozygotes.

Submission:

Labcorp Genetics (formerly Invitae), Labcorp
Classification: Uncertain significance for Dilated cardiomyopathy 1G; Autosomal recessive limb-girdle muscular dystrophy type 2J. Last evaluated: 2023-05-01. Review status: criteria provided, single submitter. Criteria: Invitae Variant Classification Sherloc (09022015). Collection method: clinical testing. Allele origin: germline.
Comment: In summary, the available evidence is currently insufficient to determine the role of this variant in disease. Therefore, it has been classified as a Variant of Uncertain Significance. This variant is located in the A band of TTN (PMID: 25589632). Variants in this region may be relevant for cardiac or neuromuscular disorders (PMID: 25589632, 23975875). Variants that disrupt the consensus splice site are a relatively common cause of aberrant splicing (PMID: 17576681, 9536098). Algorithms developed to predict the effect of sequence changes on RNA splicing suggest that this variant may disrupt the consensus splice site. This variant is present in population databases (no rsID available, gnomAD 0.003%). This sequence change falls in intron 331 of the TTN gene. It does not directly change the encoded amino acid sequence of the TTN protein. It affects a nucleotide within the consensus splice site. This variant has not been reported in the literature in individuals affected with TTN-related conditions.

Literature cited by the submitters: PubMed 25589632; PubMed 23975875; PubMed 17576681; PubMed 9536098.

NM_001267550.2(TTN):c.88594+5G>T

Genes: TTN-AS1 (TTN antisense RNA 1; plus strand), TTN (titin; minus strand). Cytogenetic location: 2q31.2.
Variant type: single nucleotide variant.
Coding change: c.88594+5G>T on transcript NM_001267550.2 (MANE Select); 5 bases into the intron after coding-DNA position 88594, G replaced by T.
Molecular consequence: intron variant.
Genome position (GRCh38, 1-based): chr2:178,554,860, C>A on the plus strand (G>T on the coding strand, the complement: TTN is on the minus strand). VCF-style: chr2-178554860-C-A. GRCh37 (hg19) VCF-style: chr2-179419587-C-A.
Other names: c.61399+5G>T (NM_003319.4); c.61975+5G>T (NM_133437.4); c.61774+5G>T (NM_133432.3); c.80890+5G>T (NM_133378.4); c.83671+5G>T (NM_001256850.1).
Identifiers: ClinVar variation 2934965 (VCV002934965.3), dbSNP rs1190690823, ClinGen allele CA538435216.
Genomic context (GRCh38, chr2:178,554,860, plus strand): 5'-ACTTGTTCAAAATTACTAAGCTTTAGGCAAATGTAATATGACAGTGGTCTGTATTCAGCA[C>A]CTACCAAGGATCTGTACTCTGATGGTGGCTGAGGCTGAGCCCATGGCATTCCTTAGTTTT-3'